The following is an entry in ClinVar:

ClinVar aggregate classification (germline): Uncertain significance (1 of 4 stars; one submission).

Submission:

GeneDx
Classification: Uncertain significance. Last evaluated: 2025-02-04. Review status: criteria provided, single submitter. Criteria: GeneDx Variant Classification Process June 2021. Collection method: clinical testing. Allele origin: germline. Affected: yes.
Comment: Reported with a second EIF2B3 variant in a presymptomatic individual from a cohort of patients with genetically proven vanishing white matter disease; however, no segregation information was provided (PMID: 33432707); Not observed at significant frequency in large population cohorts (gnomAD); In silico analysis indicates that this missense variant does not alter protein structure/function; This variant is associated with the following publications: (PMID: 33432707)

NM_020365.5(EIF2B3):c.1004C>T (p.Pro335Leu)

Gene: EIF2B3 (eukaryotic translation initiation factor 2B subunit gamma; minus strand). Cytogenetic location: 1p34.1.
Variant type: single nucleotide variant.
Coding change: c.1004C>T on transcript NM_020365.5 (MANE Select); coding-DNA position 1004, C replaced by T.
Protein change: p.Pro335Leu; replaces proline 335 with leucine.
Molecular consequence: missense variant.
Genome position (GRCh38, 1-based): chr1:44,875,667, G>A on the plus strand (C>T on the coding strand, the complement: EIF2B3 is on the minus strand). VCF-style: chr1-44875667-G-A. GRCh37 (hg19) VCF-style: chr1-45341339-G-A.
Other names: c.1004C>T, p.Pro335Leu (NM_001166588.3, NM_001261418.2); short protein forms P335L.
Identifiers: ClinVar variation 4072475 (VCV004072475.1).